The following is an entry in ClinVar:

ClinVar aggregate classification (germline): Uncertain significance. Review status: criteria provided, multiple submitters, no conflicts (2 of 4 stars). 3 submissions from 3 submitters: Uncertain significance (3). Last evaluated 2026-01-01.

Conditions:
Generalized epilepsy with febrile seizures plus, type 9 (GEFSP9). Also called: GEFS+, TYPE 9. Identifiers: Orphanet 36387, MedGen C4015395, MONDO:0014517, OMIM 616172.

Allele frequency attached by ClinVar (database versions not stated): gnomAD 0.00001; ExAC 0.00002; gnomAD exomes 0.00002 and 0.00003; TOPMed 0.00002; ESP Exome Variant Server 0.00008.
gnomAD v4.1: 30 of 1,613,902 alleles (0.0019%); highest among the groups gnomAD compares: Middle Eastern, 0.016%; no homozygotes.

Submissions (3):

Labcorp Genetics (formerly Invitae), Labcorp
Classification: Uncertain significance for Generalized epilepsy with febrile seizures plus, type 9. Last evaluated: 2026-01-01. Review status: criteria provided, single submitter. Criteria: Invitae Variant Classification Sherloc (09022015). Collection method: clinical testing. Allele origin: germline.
Comment: This sequence change replaces serine, which is neutral and polar, with leucine, which is neutral and non-polar, at codon 47 of the STX1B protein (p.Ser47Leu). This variant is present in population databases (rs200979563, gnomAD 0.006%). This variant has not been reported in the literature in individuals affected with STX1B-related conditions. ClinVar contains an entry for this variant (Variation ID: 1400614). Invitae Evidence Modeling of protein sequence and biophysical properties (such as structural, functional, and spatial information, amino acid conservation, physicochemical variation, residue mobility, and thermodynamic stability) indicates that this missense variant is not expected to disrupt STX1B protein function with a negative predictive value of 80%. In summary, the available evidence is currently insufficient to determine the role of this variant in disease. Therefore, it has been classified as a Variant of Uncertain Significance.

CeGaT Center for Human Genetics Tuebingen
Classification: Uncertain significance. Last evaluated: 2022-11-01. Review status: criteria provided, single submitter. Criteria: CeGaT Center For Human Genetics Tuebingen Variant Classification Criteria Version 2. Collection method: clinical testing. Allele origin: germline. Affected: yes. Observed: 1 variant allele.

Breakthrough Genomics
Classification: Uncertain significance. Review status: criteria provided, single submitter. Criteria: ACMG Guidelines, 2015. Collection method: not provided. Allele origin: germline. Inheritance: Autosomal dominant inheritance. Affected: yes.

NM_052874.5(STX1B):c.140C>T (p.Ser47Leu)

Gene: STX1B (syntaxin 1B; minus strand). Cytogenetic location: 16p11.2.
Variant type: single nucleotide variant.
Coding change: c.140C>T on transcript NM_052874.5 (MANE Select); coding-DNA position 140, C replaced by T.
Protein change: p.Ser47Leu; replaces serine 47 with leucine.
Molecular consequence: missense variant.
Genome position (GRCh38, 1-based): chr16:31,001,159, G>A on the plus strand (C>T on the coding strand, the complement: STX1B is on the minus strand). VCF-style: chr16-31001159-G-A. GRCh37 (hg19) VCF-style: chr16-31012480-G-A.
Other names: short protein forms S47L.
Identifiers: ClinVar variation 1400614 (VCV001400614.37), dbSNP rs200979563, ClinGen allele CA8018471.
Genomic context (GRCh38, chr16:31,001,159, plus strand): 5'-TCTGGGTTGGGTGCGGCCAGGATGGCGCTATGCTGTTTTTTCACCTGCTCCACATCCTCC[G>A]ACAGTTTCTCAATGCAGCCCCGGATCTCTTCCACCTGGAGCAGAAAATCGGCTATACCCA-3'
Protein context (NP_443106.1, residues 37-57): EEIRGCIEKL[Ser47Leu]EDVEQVKKQH